The following is an entry in ClinVar:

NM_001348738.2(KIDINS220):c.4010G>T (p.Gly1337Val)

Gene: KIDINS220 (kinase D interacting substrate 220; minus strand). Cytogenetic location: 2p25.1.
Variant type: single nucleotide variant.
Coding change: c.4010G>T on transcript NM_001348738.2; coding-DNA position 4010, G replaced by T.
Protein change: p.Gly1337Val; replaces glycine 1337 with valine.
Molecular consequence: missense variant. On other transcripts: non-coding transcript variant (2).
Genome position (GRCh38, 1-based): chr2:8,726,930, C>A on the plus strand (G>T on the coding strand, the complement: KIDINS220 is on the minus strand). VCF-style: chr2-8726930-C-A. GRCh37 (hg19) VCF-style: chr2-8867060-C-A.
Other names: c.3899G>T, p.Gly1300Val (NM_001348739.2, NM_001348740.2); c.3896G>T, p.Gly1299Val (NM_001348741.2, NM_001348742.2, NM_001348743.2); short protein forms G1299V, G1300V, G1337V.
Identifiers: ClinVar variation 4996871 (VCV004996871.1).

ClinVar aggregate classification (germline): Uncertain significance (1 of 4 stars; one submission).

Conditions:
KIDINS220-related disorder. Also called: KIDINS220-related condition.

Submission:

PreventionGenetics, part of Exact Sciences
Classification: Uncertain significance for KIDINS220-related condition. Last evaluated: 2025-02-28. Review status: criteria provided, single submitter. Criteria: ACMG Guidelines, 2015. Collection method: clinical testing. Allele origin: germline.
Comment: The KIDINS220 c.4010G>T variant is predicted to result in the amino acid substitution p.Gly1337Val. To our knowledge, this variant has not been reported in the literature or in a large population database (gnomAD), indicating this variant is rare. At this time, the clinical significance of this variant is uncertain due to the absence of conclusive functional and genetic evidence.